The following is an entry in ClinVar:

NM_024496.4(IRF2BPL):c.490G>A (p.Ala164Thr)

Gene: IRF2BPL (interferon regulatory factor 2 binding protein like; minus strand). Cytogenetic location: 14q24.3.
Variant type: single nucleotide variant.
Coding change: c.490G>A on transcript NM_024496.4 (MANE Select); coding-DNA position 490, G replaced by A.
Protein change: p.Ala164Thr; replaces alanine 164 with threonine.
Molecular consequence: missense variant.
Genome position (GRCh38, 1-based): chr14:77,027,303, C>T on the plus strand (G>A on the coding strand, the complement: IRF2BPL is on the minus strand). VCF-style: chr14-77027303-C-T. GRCh37 (hg19) VCF-style: chr14-77493646-C-T.
Other names: c.490G>A (NM_024496.3); short protein forms A164T.
Identifiers: ClinVar variation 1341802 (VCV001341802.2), dbSNP rs2139976037, ClinGen allele CA390499237.

ClinVar aggregate classification (germline): Uncertain significance. Review status: criteria provided, multiple submitters, no conflicts (2 of 4 stars). 2 submissions from 2 submitters: Uncertain significance (2). Last evaluated 2023-04-27.

Conditions:
Neurodevelopmental disorder with regression, abnormal movements, loss of speech, and seizures. Identifiers: Orphanet 597623, MedGen C4748127, MONDO:0060759, OMIM 618088.

Submissions (2):

GeneDx
Classification: Uncertain significance. Last evaluated: 2023-04-27. Review status: criteria provided, single submitter. Criteria: GeneDx Variant Classification Process June 2021. Collection method: clinical testing. Allele origin: germline. Affected: yes.
Comment: Not observed at significant frequency in large population cohorts (gnomAD); In silico analysis supports that this missense variant does not alter protein structure/function; Has not been previously published as pathogenic or benign to our knowledge

New York Genome Center
Classification: Uncertain significance for Neurodevelopmental disorder with regression, abnormal movements, loss of speech, and seizures. Last evaluated: 2021-02-11. Review status: criteria provided, single submitter. Criteria: NYGC Assertion Criteria 2020. Collection method: clinical testing. Allele origin: inherited. Observed: 1 heterozygote. Study: CSER-NYCKidSeq.